The following is an entry in ClinVar:

NM_000051.4(ATM):c.2438del (p.Asn813fs)

Gene: ATM (ATM serine/threonine kinase; plus strand). Cytogenetic location: 11q22.3.
Variant type: Deletion.
Coding change: c.2438del on transcript NM_000051.4 (MANE Select); coding-DNA position 2438, one base deleted (A; older notation c.2438delA).
Protein change: p.Asn813fs; shifts the reading frame from asparagine 813.
Molecular consequence: frameshift variant.
Genome position (GRCh38, 1-based): chr11:108,259,047, A deleted; the last of 2 consecutive A bases (chr11:108,259,046-108,259,047); deleting either gives the same sequence. VCF-style (leftmost placement, unchanged base first): chr11-108259045-GA-G. GRCh37 (hg19) VCF-style: chr11-108129772-GA-G.
Other names: c.2438del, p.Asn813fs (NM_001351834.2); short protein forms N813fs.
Identifiers: ClinVar variation 1449954 (VCV001449954.8), dbSNP rs2135421887, ClinGen allele CA2573146510.

ClinVar aggregate classification (germline): Pathogenic (1 of 4 stars; one submission).

Conditions:
Ataxia-telangiectasia syndrome (AT). Also called: Ataxia-telangiectasia; LOUIS-BAR SYNDROME; AT, COMPLEMENTATION GROUP C; Ataxia-telangiectasia, complementation group E; Ataxia telangiectasia (A-T); Cerebello-oculocutaneous telangiectasia. Identifiers: Orphanet 100, MedGen C0004135, MONDO:0008840, OMIM 208900.

Submission:

Labcorp Genetics (formerly Invitae), Labcorp
Classification: Pathogenic for Ataxia-telangiectasia syndrome. Last evaluated: 2021-02-14. Review status: criteria provided, single submitter. Criteria: Invitae Variant Classification Sherloc (09022015). Collection method: clinical testing. Allele origin: germline.
Comment: For these reasons, this variant has been classified as Pathogenic. This variant has been observed in individual(s) with clinical features of ataxia-telangiectasia (PMID: 21665257). This variant is not present in population databases (ExAC no frequency). This sequence change creates a premature translational stop signal (p.Asn813Metfs*10) in the ATM gene. It is expected to result in an absent or disrupted protein product. Loss-of-function variants in ATM are known to be pathogenic (PMID: 23807571, 25614872).

Literature cited by the submitters: PubMed 21665257; PubMed 23807571; PubMed 25614872.